The following is an entry in ClinVar:

NM_152564.5(VPS13B):c.986A>C (p.Lys329Thr)

Gene: VPS13B (vacuolar protein sorting 13 homolog B; plus strand). Cytogenetic location: 8q22.2.
Variant type: single nucleotide variant.
Coding change: c.986A>C on transcript NM_152564.5 (MANE Select); coding-DNA position 986, A replaced by C.
Protein change: p.Lys329Thr; replaces lysine 329 with threonine.
Molecular consequence: missense variant. On other transcripts: non-coding transcript variant (1).
Genome position (GRCh38, 1-based): chr8:99,121,225, A>C. VCF-style: chr8-99121225-A-C. GRCh37 (hg19) VCF-style: chr8-100133453-A-C.
Other names: c.986A>C, p.Lys329Thr (NM_015243.3, NM_017890.5, NM_181661.3); c.986A>C (NM_017890.3); short protein forms K329T.
Identifiers: ClinVar variation 955376 (VCV000955376.11), dbSNP rs1195441250, ClinGen allele CA371860856.

ClinVar aggregate classification (germline): Uncertain significance. Review status: criteria provided, multiple submitters, no conflicts (2 of 4 stars). 3 submissions from 3 submitters: Uncertain significance (2). 1 of the submissions does not count toward it. Last evaluated 2024-07-17.

Conditions:
Cohen syndrome (COH1). Also called: PEPPER SYNDROME; Cutis verticis gyrata, retinitis pigmentosa, and sensorineural deafness. Identifiers: Orphanet 193, MedGen C0265223, MONDO:0008999, OMIM 216550.

Allele frequency attached by ClinVar (database versions not stated): gnomAD exomes below 0.00001; TOPMed 0.00001.
gnomAD v4.1: 8 of 1,614,076 alleles (0.0005%); highest among the groups gnomAD compares: Non-Finnish European, 0.00059%; no homozygotes.

Submissions (3):

GeneDx
Classification: Uncertain significance. Last evaluated: 2024-07-17. Review status: criteria provided, single submitter. Criteria: GeneDx Variant Classification Process June 2021. Collection method: clinical testing. Allele origin: germline. Affected: yes.
Comment: Not observed at significant frequency in large population cohorts (gnomAD); In silico analysis indicates that this missense variant does not alter protein structure/function; Has not been previously published as pathogenic or benign to our knowledge

Labcorp Genetics (formerly Invitae), Labcorp
Classification: Uncertain significance for Cohen syndrome. Last evaluated: 2022-03-18. Review status: criteria provided, single submitter. Criteria: Invitae Variant Classification Sherloc (09022015). Collection method: clinical testing. Allele origin: germline.
Comment: This sequence change replaces lysine, which is basic and polar, with threonine, which is neutral and polar, at codon 329 of the VPS13B protein (p.Lys329Thr). This variant is not present in population databases (gnomAD no frequency). This variant has not been reported in the literature in individuals affected with VPS13B-related conditions. ClinVar contains an entry for this variant (Variation ID: 955376). Algorithms developed to predict the effect of missense changes on protein structure and function are either unavailable or do not agree on the potential impact of this missense change (SIFT: "Not Available"; PolyPhen-2: "Possibly Damaging"; Align-GVGD: "Not Available"). In summary, the available evidence is currently insufficient to determine the role of this variant in disease. Therefore, it has been classified as a Variant of Uncertain Significance.

Natera, Inc.
Classification: Uncertain significance for Cohen syndrome. Last evaluated: 2020-07-29. Review status: no assertion criteria provided. Collection method: clinical testing. Allele origin: germline. Not counted in ClinVar's aggregate classification.